The following is an entry in ClinVar:

NM_002067.5(GNA11):c.278C>A (p.Ala93Asp)

Gene: GNA11 (G protein subunit alpha 11; plus strand). Cytogenetic location: 19p13.3.
Variant type: single nucleotide variant.
Coding change: c.278C>A on transcript NM_002067.5 (MANE Select); coding-DNA position 278, C replaced by A.
Protein change: p.Ala93Asp; replaces alanine 93 with aspartic acid.
Molecular consequence: missense variant.
Genome position (GRCh38, 1-based): chr19:3,110,290, C>A. VCF-style: chr19-3110290-C-A. GRCh37 (hg19) VCF-style: chr19-3110288-C-A.
Other names: short protein forms A93D.
Identifiers: ClinVar variation 3657044 (VCV003657044.2).

ClinVar aggregate classification (germline): Uncertain significance (1 of 4 stars; one submission).

Submission:

Labcorp Genetics (formerly Invitae), Labcorp
Classification: Uncertain significance. Last evaluated: 2024-06-19. Review status: criteria provided, single submitter. Criteria: Invitae Variant Classification Sherloc (09022015). Collection method: clinical testing. Allele origin: germline.
Comment: This sequence change replaces alanine, which is neutral and non-polar, with aspartic acid, which is acidic and polar, at codon 93 of the GNA11 protein (p.Ala93Asp). This variant is not present in population databases (gnomAD no frequency). This variant has not been reported in the literature in individuals affected with GNA11-related conditions. Advanced modeling of protein sequence and biophysical properties (such as structural, functional, and spatial information, amino acid conservation, physicochemical variation, residue mobility, and thermodynamic stability) performed at Invitae indicates that this missense variant is expected to disrupt GNA11 protein function with a positive predictive value of 80%. In summary, the available evidence is currently insufficient to determine the role of this variant in disease. Therefore, it has been classified as a Variant of Uncertain Significance.